The following is an entry in ClinVar:

ClinVar aggregate classification (germline): Likely benign. Review status: criteria provided, multiple submitters, no conflicts (2 of 4 stars). 6 submissions from 6 submitters: Likely benign (5). 1 of the submissions does not count toward it. Last evaluated 2026-04-01.

Conditions:
Hereditary spastic paraplegia 75. Also called: Spastic paraplegia 75, autosomal recessive. Identifiers: Orphanet 459056, MedGen C4225250, MONDO:0014729, OMIM 616680.
MAG-related disorder. Also called: MAG-related condition.

Allele frequency attached by ClinVar (database versions not stated): ESP Exome Variant Server 0.00046; 1000 Genomes Project 30x 0.00047; 1000 Genomes Project 0.00060; gnomAD 0.00069 and 0.00072; TOPMed 0.00077.
gnomAD v4.1: 1,739 of 1,613,816 alleles (0.11%); highest among the groups gnomAD compares: Non-Finnish European, 0.14%; 3 homozygotes.

Submissions (6):

CeGaT Center for Human Genetics Tuebingen
Classification: Likely benign. Last evaluated: 2026-04-01. Review status: criteria provided, single submitter. Criteria: CeGaT Center For Human Genetics Tuebingen Variant Classification Criteria Version 2. Collection method: clinical testing. Allele origin: germline. Affected: yes. Observed: 5 variant alleles.
Comment: MAG: BP4, BP7

Labcorp Genetics (formerly Invitae), Labcorp
Classification: Likely benign for Hereditary spastic paraplegia 75. Last evaluated: 2026-01-16. Review status: criteria provided, single submitter. Criteria: Invitae Variant Classification Sherloc (09022015). Collection method: clinical testing. Allele origin: germline.

Laboratory of Genetics, Children's Clinical University Hospital Latvia
Classification: Likely benign. Last evaluated: 2025-02-16. Review status: criteria provided, single submitter. Criteria: ACMG Guidelines, 2015. Collection method: clinical testing. Allele origin: germline. Affected: yes.

Blueprint Genetics
Classification: Likely benign. Last evaluated: 2024-11-25. Review status: criteria provided, single submitter. Criteria: ACMG Guidelines, 2015. Collection method: clinical testing. Allele origin: germline.

Breakthrough Genomics
Classification: Likely benign. Review status: criteria provided, single submitter. Criteria: ACMG Guidelines, 2015. Collection method: not provided. Allele origin: germline. Inheritance: Autosomal recessive inheritance. Affected: yes.

PreventionGenetics, part of Exact Sciences
Classification: Likely benign for MAG-related condition. Last evaluated: 2019-03-29. Review status: no assertion criteria provided. Collection method: clinical testing. Allele origin: germline. Not counted in ClinVar's aggregate classification.
Comment: This variant is classified as likely benign based on ACMG/AMP sequence variant interpretation guidelines (Richards et al. 2015 PMID: 25741868, with internal and published modifications).

NM_002361.4(MAG):c.1836G>A (p.Thr612=)

Gene: MAG (myelin associated glycoprotein; plus strand). Cytogenetic location: 19q13.12.
Variant type: single nucleotide variant.
Coding change: c.1836G>A on transcript NM_002361.4 (MANE Select); coding-DNA position 1836, G replaced by A.
Protein change: p.Thr612=; no amino-acid change (threonine 612 retained).
Molecular consequence: synonymous variant. On other transcripts: 3 prime UTR variant (1).
Genome position (GRCh38, 1-based): chr19:35,313,409, G>A. VCF-style: chr19-35313409-G-A. GRCh37 (hg19) VCF-style: chr19-35804312-G-A.
Other names: c.1761G>A, p.Thr587= (NM_001199216.2); c.*132G>A (NM_080600.3).
Identifiers: ClinVar variation 703792 (VCV000703792.37), dbSNP rs142825621, ClinGen allele CA9376436.